The following is an entry in ClinVar:

ClinVar aggregate classification (germline): Benign/Likely benign. Review status: criteria provided, multiple submitters, no conflicts (2 of 4 stars). 6 submissions from 6 submitters: Benign (3); Likely benign (3). Last evaluated 2026-06-01.

Conditions:
Inborn genetic diseases. Identifiers: MedGen C0950123, MeSH D030342.

Allele frequency attached by ClinVar (database versions not stated): gnomAD exomes 0.00018 and 0.00033; ExAC 0.00042; ESP Exome Variant Server 0.00108; 1000 Genomes Project 0.00120; 1000 Genomes Project 30x 0.00125; gnomAD 0.00149 and 0.00159; TOPMed 0.00183.
gnomAD v4.1: 506 of 1,613,912 alleles (0.031%); highest among the groups gnomAD compares: African/African-American, 0.51%; 2 homozygotes.

Submissions (6):

CeGaT Center for Human Genetics Tuebingen
Classification: Likely benign. Last evaluated: 2026-06-01. Review status: criteria provided, single submitter. Criteria: CeGaT Center For Human Genetics Tuebingen Variant Classification Criteria Version 2. Collection method: clinical testing. Allele origin: germline. Affected: yes. Observed: 3 variant alleles.
Comment: SMARCA2: BP4, BP7, BS1

Labcorp Genetics (formerly Invitae), Labcorp
Classification: Benign. Last evaluated: 2026-01-26. Review status: criteria provided, single submitter. Criteria: Invitae Variant Classification Sherloc (09022015). Collection method: clinical testing. Allele origin: germline.

Blueprint Genetics
Classification: Likely benign. Last evaluated: 2024-09-23. Review status: criteria provided, single submitter. Criteria: ACMG Guidelines, 2015. Collection method: clinical testing. Allele origin: germline.

ARUP Laboratories, Molecular Genetics and Genomics, ARUP Laboratories
Classification: Benign. Last evaluated: 2024-09-17. Review status: criteria provided, single submitter. Criteria: ARUP Molecular Germline Variant Investigation Process 2024. Collection method: clinical testing. Allele origin: germline.

GeneDx
Classification: Benign. Last evaluated: 2019-06-26. Review status: criteria provided, single submitter. Criteria: GeneDx Variant Classification Process June 2021. Collection method: clinical testing. Allele origin: germline. Affected: yes.

Ambry Genetics
Classification: Likely benign for Inborn genetic diseases. Last evaluated: 2016-06-21. Review status: criteria provided, single submitter. Criteria: Ambry Variant Classification Scheme 2023. Collection method: clinical testing. Allele origin: germline.

NM_003070.5(SMARCA2):c.2136G>A (p.Val712=)

Gene: SMARCA2 (SWI/SNF related BAF chromatin remodeling complex subunit ATPase 2; plus strand). Cytogenetic location: 9p24.3.
Variant type: single nucleotide variant.
Coding change: c.2136G>A on transcript NM_003070.5 (MANE Select); coding-DNA position 2136, G replaced by A.
Protein change: p.Val712=; no amino-acid change (valine 712 retained).
Molecular consequence: synonymous variant.
Genome position (GRCh38, 1-based): chr9:2,077,728, G>A. VCF-style: chr9-2077728-G-A. GRCh37 (hg19) VCF-style: chr9-2077728-G-A.
Other names: c.2136G>A, p.Val712= (NM_001289396.2, NM_001289397.2, NM_139045.4).
Identifiers: ClinVar variation 588159 (VCV000588159.39), dbSNP rs147739329, ClinGen allele CA4963391.